The following is an entry in ClinVar:

NM_032634.4(PIGO):c.1122G>A (p.Val374=)

Gene: PIGO (phosphatidylinositol glycan anchor biosynthesis class O; minus strand). Cytogenetic location: 9p13.3.
Variant type: single nucleotide variant.
Coding change: c.1122G>A on transcript NM_032634.4 (MANE Select); coding-DNA position 1122, G replaced by A.
Protein change: p.Val374=; no amino-acid change (valine 374 retained).
Molecular consequence: synonymous variant.
Genome position (GRCh38, 1-based): chr9:35,092,765, C>T on the plus strand (G>A on the coding strand, the complement: PIGO is on the minus strand). VCF-style: chr9-35092765-C-T. GRCh37 (hg19) VCF-style: chr9-35092762-C-T.
Other names: c.1122G>A, p.Val374= (NM_001201484.2, NM_152850.4).
Identifiers: ClinVar variation 430044 (VCV000430044.10), dbSNP rs549662606, ClinGen allele CA192712154.
Genomic context (GRCh38, chr9:35,092,765, plus strand): 5'-ATGAAGCTCCTTAGCTTGAAGGTCCTGAGTAGCAGCTGAGTAGGTATGAAGAAATCGGGA[C>T]ACCTGGCAGAGAAAAGGTCAGAGGCCAAGGGGAACAGGTCAGAGACATAAATTGGGGCAG-3'
Protein context (NP_116023.2, residues 364-384): ASALHLNAQQ[Val374=]SRFLHTYSAA

ClinVar aggregate classification (germline): Conflicting classifications of pathogenicity. Review status: criteria provided, conflicting classifications (1 of 4 stars). 2 submissions from 2 submitters: Uncertain significance (1); Likely benign (1). Last evaluated 2024-03-09.

Conditions:
Hyperphosphatasia with impaired intellectual development syndrome 2. Also called: GLYCOSYLPHOSPHATIDYLINOSITOL BIOSYNTHESIS DEFECT 6; Hyperphosphatasia with intellectual disability syndrome 2. Identifiers: Orphanet 247262, MedGen C3553637, MONDO:0013882, OMIM 614749.

Allele frequency attached by ClinVar (database versions not stated): TOPMed 0.00001; gnomAD 0.00001.

Submissions (2):

Labcorp Genetics (formerly Invitae), Labcorp
Classification: Likely benign for Hyperphosphatasia with impaired intellectual development syndrome 2. Last evaluated: 2024-03-09. Review status: criteria provided, single submitter. Criteria: Invitae Variant Classification Sherloc (09022015). Collection method: clinical testing. Allele origin: germline.

GeneDx
Classification: Uncertain significance. Last evaluated: 2021-05-25. Review status: criteria provided, single submitter. Criteria: GeneDx Variant Classification Process June 2021. Collection method: clinical testing. Allele origin: germline. Affected: yes.
Comment: Has not been previously published as pathogenic or benign to our knowledge; Not observed in large population cohorts (Lek et al., 2016); In silico analysis, which includes splice predictors and evolutionary conservation, suggests this variant may impact gene splicing. In the absence of RNA/functional studies, the actual effect of this sequence change is unknown.